The following is an entry in ClinVar:

ClinVar aggregate classification (germline): Uncertain significance (1 of 4 stars; one submission).

Submission:

GeneDx
Classification: Uncertain significance. Last evaluated: 2019-06-19. Review status: criteria provided, single submitter. Criteria: GeneDx Variant Classification Process June 2021. Collection method: clinical testing. Allele origin: germline. Affected: yes.
Comment: Not observed in large population cohorts (Lek et al., 2016); Missense variant in a gene in which most reported pathogenic variants are truncating/loss-of-function; Has not been previously published as pathogenic or benign to our knowledge; This variant is associated with the following publications: (PMID: 27622320)

NM_001267550.2(TTN):c.10030C>T (p.Pro3344Ser)

Gene: TTN (titin; minus strand). Cytogenetic location: 2q31.2.
Variant type: single nucleotide variant.
Coding change: c.10030C>T on transcript NM_001267550.2 (MANE Select); coding-DNA position 10030, C replaced by T.
Protein change: p.Pro3344Ser; replaces proline 3344 with serine.
Molecular consequence: missense variant.
Genome position (GRCh38, 1-based): chr2:178,764,261, G>A on the plus strand (C>T on the coding strand, the complement: TTN is on the minus strand). VCF-style: chr2-178764261-G-A. GRCh37 (hg19) VCF-style: chr2-179628988-G-A.
Other names: c.10030C>T, p.Pro3344Ser (NM_001256850.1, NM_133378.4, NM_133379.5); c.9892C>T, p.Pro3298Ser (NM_003319.4, NM_133432.3, NM_133437.4); short protein forms P3298S, P3344S.
Identifiers: ClinVar variation 1306547 (VCV001306547.2), dbSNP rs2154339689, ClinGen allele CA349673860.